The following is an entry in ClinVar:

ClinVar aggregate classification (germline): Likely benign (0 of 4 stars; one submission).

Conditions:
PLXNA3-related disorder. Also called: PLXNA3-related condition.

Allele frequency attached by ClinVar (database versions not stated): ESP Exome Variant Server 0.00009; gnomAD 0.00010; gnomAD exomes 0.00010; TOPMed 0.00011; ExAC 0.00015; 1000 Genomes Project 30x 0.00021; 1000 Genomes Project 0.00026.
gnomAD v4.1: 126 of 1,211,114 alleles (0.01%); highest among the groups gnomAD compares: Middle Eastern, 0.023%; no homozygotes.

Submission:

PreventionGenetics, part of Exact Sciences
Classification: Likely benign for PLXNA3-related condition. Last evaluated: 2021-10-26. Review status: no assertion criteria provided. Collection method: clinical testing. Allele origin: germline.
Comment: This variant is classified as likely benign based on ACMG/AMP sequence variant interpretation guidelines (Richards et al. 2015 PMID: 25741868, with internal and published modifications).

NM_017514.5(PLXNA3):c.696C>T (p.Ser232=)

Gene: PLXNA3 (plexin A3; plus strand). Cytogenetic location: Xq28.
Variant type: single nucleotide variant.
Coding change: c.696C>T on transcript NM_017514.5 (MANE Select); coding-DNA position 696, C replaced by T.
Protein change: p.Ser232=; no amino-acid change (serine 232 retained).
Molecular consequence: synonymous variant.
Genome position (GRCh38, 1-based): chrX:154,461,200, C>T. VCF-style: chrX-154461200-C-T. GRCh37 (hg19) VCF-style: chrX-153689540-C-T.
Identifiers: ClinVar variation 3051534 (VCV003051534.2), dbSNP rs377627483, ClinGen allele CA10563787.